The following is an entry in ClinVar:

ClinVar aggregate classification (germline): Likely pathogenic (1 of 4 stars; one submission).

Conditions:
UBA2-related disorder.

Submission:

Rady Children's Institute for Genomic Medicine, Rady Children's Hospital San Diego
Classification: Likely pathogenic for UBA2-related disorders. Review status: criteria provided, single submitter. Criteria: ACMG Guidelines, 2015. Collection method: clinical testing. Allele origin: germline. Affected: yes.
Comment: This frameshifting variant in exon 12 of 17 introduces a premature stop codon and is therefore predicted to result in loss of normal protein function through either protein truncation or nonsense-mediated mRNA decay (NMD). This variant has not been previously reported or functionally characterized in the literature to our knowledge. Loss-of-function variation in UBA2 is an established mechanism of disease (PMID: 34040189). The c.1173_1174dup (p.Ala392ValfsTer3) variant is absent from the gnomAD population database and thus is presumed to be rare. Based on the available evidence, the c.1173_1174dup (p.Ala392ValfsTer3) variant is classified as Likely Pathogenic.

NM_005499.3(UBA2):c.1173_1174dup (p.Ala392fs)

Gene: UBA2 (ubiquitin like modifier activating enzyme 2; plus strand). Cytogenetic location: 19q13.11.
Variant type: Duplication.
Coding change: c.1173_1174dup on transcript NM_005499.3 (MANE Select); coding-DNA positions 1173 to 1174, 2 bases duplicated (TG; older notation c.1173_1174dupTG).
Protein change: p.Ala392fs; shifts the reading frame from alanine 392.
Molecular consequence: frameshift variant.
Genome position (GRCh38, 1-based): chr19:34,454,484-34,454,485, TG duplicated. VCF-style (leftmost placement, unchanged base first): chr19-34454483-A-ATG. GRCh37 (hg19) VCF-style: chr19-34945388-A-ATG.
Other names: c.885_886dup, p.Ala296fs (NM_001411139.1); short protein forms A296fs, A392fs.
Identifiers: ClinVar variation 2584538 (VCV002584538.1), dbSNP rs2513965734, ClinGen allele CA2582342949.